The following is an entry in ClinVar:

ClinVar aggregate classification (germline): Pathogenic. Review status: criteria provided, multiple submitters, no conflicts (2 of 4 stars). 2 submissions from 2 submitters: Pathogenic (2). Last evaluated 2026-06-16.

Conditions:
TWIST1-related craniosynostosis (CRS1). Also called: CRANIOSYNOSTOSIS 1. Identifiers: Orphanet 63440, MedGen C4551902, MONDO:0007399, OMIM 123100. Inheritance: Heterogenous inheritance pattern.
Saethre-Chotzen syndrome (SCS). Also called: ACROCEPHALY, SKULL ASYMMETRY, AND MILD SYNDACTYLY; ACS III; CHOTZEN SYNDROME. Identifiers: Orphanet 794, MedGen C0175699, MONDO:0007042, OMIM 101400.

Submissions (2):

GeneDx
Classification: Pathogenic. Last evaluated: 2026-06-16. Review status: criteria provided, single submitter. Criteria: GeneDx Variant Classification Process June 2021. Collection method: clinical testing. Allele origin: germline.
Comment: Frameshift variant in the C-terminus predicted to result in protein truncation, as the last 158 amino acids are lost and replaced with 188 incorrect amino acids; Not observed at significant frequency in large population cohorts (gnomAD); This variant is associated with the following publications: (PMID: 24127277, 14513358, 33547006)

Labcorp Genetics (formerly Invitae), Labcorp
Classification: Pathogenic for TWIST1-related craniosynostosis; Saethre-Chotzen syndrome. Last evaluated: 2024-05-23. Review status: criteria provided, single submitter. Criteria: Invitae Variant Classification Sherloc (09022015). Collection method: clinical testing. Allele origin: germline.
Comment: This sequence change creates a premature translational stop signal (p.Ser45Argfs*189) in the TWIST1 gene. While this is not anticipated to result in nonsense mediated decay, it is expected to disrupt the last 158 amino acid(s) of the TWIST1 protein. This variant is not present in population databases (gnomAD no frequency). This premature translational stop signal has been observed in individual(s) with Saethre-Chotzen syndrome-like features (PMID: 14513358, 33547006). This variant is also known as 128_138del11. ClinVar contains an entry for this variant (Variation ID: 543077). This variant disrupts a region of the TWIST1 protein in which other variant(s) (p.Thr137Hisfs*101) have been determined to be pathogenic (PMID: 24127277; Invitae). This suggests that this is a clinically significant region of the protein, and that variants that disrupt it are likely to be disease-causing. For these reasons, this variant has been classified as Pathogenic.

Literature cited by the submitters: PubMed 14513358 (cited by Labcorp Genetics (formerly Invitae), Labcorp); PubMed 33547006 (cited by Labcorp Genetics (formerly Invitae), Labcorp); PubMed 24127277 (cited by Labcorp Genetics (formerly Invitae), Labcorp).

NM_000474.4(TWIST1):c.132_142del (p.Ser45fs)

Gene: TWIST1 (twist family bHLH transcription factor 1; minus strand). Cytogenetic location: 7p21.1.
Variant type: Deletion.
Coding change: c.132_142del on transcript NM_000474.4 (MANE Select); coding-DNA positions 132 to 142, 11 bases deleted (CAGCGCGGGCG).
Protein change: p.Ser45fs; shifts the reading frame from serine 45.
Molecular consequence: frameshift variant. On other transcripts: non-coding transcript variant (1).
Genome position (GRCh38, 1-based): chr7:19,117,180-19,117,190, CGCCCGCGCTG deleted on the plus strand (CAGCGCGGGCG on the coding strand, the reverse complement: TWIST1 is on the minus strand); deleting any 11 consecutive bases within chr7:19,117,180-19,117,194 gives the same sequence; the c. name uses the placement nearest the transcript's 3' end. VCF-style (leftmost placement, unchanged base first): chr7-19117179-CCGCCCGCGCTG-C. GRCh37 (hg19) VCF-style: chr7-19156802-CCGCCCGCGCTG-C.
Other names: c.132_142del (NM_000474.3); c.132_142delCAGCGCGGGCG (NM_000474.3); short protein forms S45fs.
Identifiers: ClinVar variation 543077 (VCV000543077.10), dbSNP rs1554442082, ClinGen allele CA658796910.